The following is an entry in ClinVar:

ClinVar aggregate classification (germline): Likely pathogenic (1 of 4 stars; one submission).

Submission:

Labcorp Genetics (formerly Invitae), Labcorp
Classification: Likely pathogenic. Last evaluated: 2022-11-05. Review status: criteria provided, single submitter. Criteria: Invitae Variant Classification Sherloc (09022015). Collection method: clinical testing. Allele origin: germline.
Comment: In summary, the currently available evidence indicates that the variant is pathogenic, but additional data are needed to prove that conclusively. Therefore, this variant has been classified as Likely Pathogenic. Algorithms developed to predict the effect of sequence changes on RNA splicing suggest that this variant may disrupt the consensus splice site. This variant has not been reported in the literature in individuals affected with LTBP4-related conditions. This variant is not present in population databases (gnomAD no frequency). This variant results in the deletion of part of exon 16 (c.1901-1_1915del) of the LTBP4 gene. It is expected to disrupt RNA splicing. Variants that disrupt the donor or acceptor splice site typically lead to a loss of protein function (PMID: 16199547), and loss-of-function variants in LTBP4 are known to be pathogenic (PMID: 19836010, 22829427).

Literature cited by the submitters: PubMed 16199547; PubMed 19836010; PubMed 22829427.

NM_001042545.2(LTBP4):c.1811-1_1825del

Gene: LTBP4 (latent transforming growth factor beta binding protein 4; plus strand). Cytogenetic location: 19q13.2.
Variant type: Deletion.
Coding change: c.1811-1_1825del on transcript NM_001042545.2 (MANE Select); the canonical splice acceptor site of the intron before coding-DNA position 1811 through coding-DNA position 1825, 16 bases deleted (GATGTGGATGAATGCA).
Molecular consequence: splice acceptor variant.
Genome position (GRCh38, 1-based): chr19:40,611,151-40,611,166, GATGTGGATGAATGCA deleted; deleting any 16 consecutive bases within chr19:40,611,147-40,611,166 gives the same sequence; the c. name uses the placement nearest the transcript's 3' end. VCF-style (leftmost placement, unchanged base first): chr19-40611146-GTGCAGATGTGGATGAA-G. GRCh37 (hg19) VCF-style: chr19-41117052-GTGCAGATGTGGATGAA-G.
Other names: c.1901-1_1915del (NM_003573.2); c.2012-1_2026del (NM_001042544.1).
Identifiers: ClinVar variation 2872653 (VCV002872653.3), dbSNP rs2515360019, ClinGen allele CA2576788069.
Genomic context (GRCh38, chr19:40,611,146, plus strand): 5'-GCCAAAGTGACAGAGGTCAGGGAGGCAGAGGGGAACAAGTGACCCCGGGCCCCCTGCCCT[GTGCAGATGTGGATGAA>G]TGCACCCAGAGCCCAGGCCTGTGTGGCCGAGGGGCCTGCAAGAACCTGCCTGGCTCTTTC-3'